The following is an entry in ClinVar:

ClinVar aggregate classification (germline): Likely benign (1 of 4 stars; one submission).

Submission:

GeneDx
Classification: Likely benign. Last evaluated: 2016-11-15. Review status: criteria provided, single submitter. Criteria: GeneDx Variant Classification (06012015). Collection method: clinical testing. Allele origin: germline. Affected: yes.
Comment: This variant is considered likely benign or benign based on one or more of the following criteria: it is a conservative change, it occurs at a poorly conserved position in the protein, it is predicted to be benign by multiple in silico algorithms, and/or has population frequency not consistent with disease.

NM_001267550.2(TTN):c.91257T>C (p.Ala30419=)

Genes: TTN (titin; minus strand), TTN-AS1 (TTN antisense RNA 1; plus strand). Cytogenetic location: 2q31.2.
Variant type: single nucleotide variant.
Coding change: c.91257T>C on transcript NM_001267550.2 (MANE Select); coding-DNA position 91257, T replaced by C.
Protein change: p.Ala30419=; no amino-acid change (alanine 30419 retained).
Molecular consequence: synonymous variant.
Genome position (GRCh38, 1-based): chr2:178,551,643, A>G on the plus strand (T>C on the coding strand, the complement: TTN is on the minus strand). VCF-style: chr2-178551643-A-G. GRCh37 (hg19) VCF-style: chr2-179416370-A-G.
Other names: c.86334T>C, p.Ala28778= (NM_001256850.1); c.64062T>C, p.Ala21354= (NM_003319.4); c.83553T>C, p.Ala27851= (NM_133378.4); c.64437T>C, p.Ala21479= (NM_133432.3); c.64638T>C, p.Ala21546= (NM_133437.4).
Identifiers: ClinVar variation 390777 (VCV000390777.1), dbSNP rs1057523889, ClinGen allele CA16603982.
Genomic context (GRCh38, chr2:178,551,643, plus strand): 5'-ATATGTTCAATTGCTAAACTAAATGTATTTGAATAATAATCACTTACCTACTGGAGAAAC[A>G]GCTAAGGTAAATTTGCTTGGGTCACTAGGTGAGCTTAGGCCAGCAGAATTTTCAGCATAT-3'
Protein context (NP_001254479.2, residues 30409-30429): SPSDPSKFTL[Ala30419=]VSPVDPPGTP